The following is an entry in ClinVar:

NM_007294.4(BRCA1):c.4358-2704C>T

Gene: BRCA1 (BRCA1 DNA repair associated; minus strand). Cytogenetic location: 17q21.31.
Variant type: single nucleotide variant.
Coding change: c.4358-2704C>T on transcript NM_007294.4 (MANE Select); 2704 bases into the intron before coding-DNA position 4358, C replaced by T.
Molecular consequence: intron variant.
Genome position (GRCh38, 1-based): chr17:43,079,318, G>A on the plus strand (C>T on the coding strand, the complement: BRCA1 is on the minus strand). VCF-style: chr17-43079318-G-A. GRCh37 (hg19) VCF-style: chr17-41231335-G-A.
Other names: c.908-2707C>T (NM_001408458.1, NM_001408461.1, NM_001408459.1 and 1 more transcripts); c.3470-2707C>T (NM_001407967.1); c.3977-2704C>T (NM_001407959.1); c.4091-2704C>T (NM_001407931.1, NM_001407932.1, NM_001407930.1 and 1 more transcripts); c.4214-2704C>T (NM_001407747.1, NM_001407745.1, NM_001407746.1 and 11 more transcripts); c.3974-2704C>T (NM_001407962.1); c.545-2704C>T (NM_001408512.1); c.668-2704C>T (NM_001408510.1); and 98 more.
Identifiers: ClinVar variation 136548 (VCV000136548.4), dbSNP rs562625234, ClinGen allele CA002797.

ClinVar aggregate classification (germline): Benign. Review status: reviewed by expert panel (3 of 4 stars). 3 submissions from 3 submitters: Benign (1). 2 of the submissions do not count toward it. Last evaluated 2016-09-28.

Conditions:
Hereditary cancer-predisposing syndrome. Also called: Tumor predisposition; Hereditary neoplastic syndrome; Hereditary Cancer Syndrome; Neoplastic Syndromes, Hereditary. Identifiers: Orphanet 140162, MedGen C0027672, MeSH D009386, MONDO:0015356.
Breast-ovarian cancer, familial, susceptibility to, 1 (BROVCA1). Also called: BRCA1 Hereditary Breast and Ovarian Cancer; OVARIAN CANCER, SUSCEPTIBILITY TO. Identifiers: Orphanet 145, MedGen C2676676, MONDO:0011450, OMIM 604370. Disease mechanism: loss of function.

Allele frequency attached by ClinVar (database versions not stated): ExAC 0.00003; gnomAD exomes 0.00003; TOPMed 0.00004; gnomAD 0.00006 and 0.00011; 1000 Genomes Project 0.00160; 1000 Genomes Project 30x 0.00172.

Submissions (3):

Evidence-based Network for the Interpretation of Germline Mutant Alleles (ENIGMA)
Classification: Benign for Breast-ovarian cancer, familial, susceptibility to, 1. Last evaluated: 2016-09-28. Review status: reviewed by expert panel. Criteria: ENIGMA BRCA1/2 Classification Criteria (2015). Collection method: curation. Allele origin: germline.
Comment: Class 1 not pathogenic based on frequency >1% in an outbred sampleset. Frequency 0.0115 (Admixed American/Latino), derived from 1000 genomes (2013-05-02).

Color Diagnostics, LLC DBA Color Health
Classification: Benign for Hereditary cancer-predisposing syndrome. Last evaluated: 2016-05-09. Review status: criteria provided, single submitter. Criteria: ACMG Guidelines, 2015. Collection method: clinical testing. Allele origin: germline. Not counted in ClinVar's aggregate classification.

GeneDx
Classification: Benign. Last evaluated: 2014-06-06. Review status: criteria provided, single submitter. Criteria: GeneDx Variant Classification (06012015). Collection method: clinical testing. Allele origin: germline. Affected: yes. Not counted in ClinVar's aggregate classification.
Comment: This variant is considered likely benign or benign based on one or more of the following criteria: it is a conservative change, it occurs at a poorly conserved position in the protein, it is predicted to be benign by multiple in silico algorithms, and/or has population frequency not consistent with disease.